The following is an entry in ClinVar:

NM_000350.3(ABCA4):c.5083G>A (p.Ala1695Thr)

Gene: ABCA4 (ATP binding cassette subfamily A member 4; minus strand). Cytogenetic location: 1p22.1.
Variant type: single nucleotide variant.
Coding change: c.5083G>A on transcript NM_000350.3 (MANE Select); coding-DNA position 5083, G replaced by A.
Protein change: p.Ala1695Thr; replaces alanine 1695 with threonine.
Molecular consequence: missense variant.
Genome position (GRCh38, 1-based): chr1:94,019,695, C>T on the plus strand (G>A on the coding strand, the complement: ABCA4 is on the minus strand). VCF-style: chr1-94019695-C-T. GRCh37 (hg19) VCF-style: chr1-94485251-C-T.
Other names: c.4861G>A, p.Ala1621Thr (NM_001425324.1); short protein forms A1695T, A1621T.
Identifiers: ClinVar variation 3667857 (VCV003667857.2).

ClinVar aggregate classification (germline): Likely pathogenic (1 of 4 stars; one submission).

gnomAD v4.1: 1 of 1,613,796 alleles (0.000062%); highest among the groups gnomAD compares: Non-Finnish European, 0.000085%; no homozygotes.

Submission:

Labcorp Genetics (formerly Invitae), Labcorp
Classification: Likely pathogenic. Last evaluated: 2024-02-08. Review status: criteria provided, single submitter. Criteria: Invitae Variant Classification Sherloc (09022015). Collection method: clinical testing. Allele origin: germline.
Comment: This sequence change replaces alanine, which is neutral and non-polar, with threonine, which is neutral and polar, at codon 1695 of the ABCA4 protein (p.Ala1695Thr). This variant is not present in population databases (gnomAD no frequency). This variant has not been reported in the literature in individuals affected with ABCA4-related conditions. Advanced modeling of protein sequence and biophysical properties (such as structural, functional, and spatial information, amino acid conservation, physicochemical variation, residue mobility, and thermodynamic stability) performed at Invitae indicates that this missense variant is expected to disrupt ABCA4 protein function with a positive predictive value of 95%. Algorithms developed to predict the effect of sequence changes on RNA splicing suggest that this variant may disrupt the consensus splice site. This variant disrupts the p.Ala1695 amino acid residue in ABCA4. Other variant(s) that disrupt this residue have been determined to be pathogenic (PMID: 29925512). This suggests that this residue is clinically significant, and that variants that disrupt this residue are likely to be disease-causing. In summary, the currently available evidence indicates that the variant is pathogenic, but additional data are needed to prove that conclusively. Therefore, this variant has been classified as Likely Pathogenic.

Literature cited by the submitters: PubMed 29925512.